The following is an entry in ClinVar:

ClinVar aggregate classification (germline): Pathogenic (0 of 4 stars; one submission).

Conditions:
Choanal atresia-hearing loss-cardiac defects-craniofacial dysmorphism syndrome (BMKS). Also called: Burn-McKeown Syndrome (BMKS); Burn-McKeown syndrome; Branchio oculo facial syndrome Hing type; OCULOOTOFACIAL DYSPLASIA. Identifiers: Orphanet 1200, MedGen C1837822, MONDO:0012064, OMIM 608572.

Submission:

GeneReviews
Classification: Pathogenic for Choanal atresia-hearing loss-cardiac defects-craniofacial dysmorphism syndrome. Last evaluated: 2016-03-28. Review status: no assertion criteria provided. Collection method: literature only. Allele origin: germline. Affected: yes.
Comment: Heterozygous whole-gene deletion

Literature cited by the submitters: PubMed 25434003.

NC_000018.9:g.76854774_78077248del1222475

Genes: SLC66A2 (solute carrier family 66 member 2; minus strand), TXNL4A (thioredoxin like 4A; minus strand), ADNP2 (ADNP homeobox 2; plus strand), ATP9B (ATPase phospholipid transporting 9B; plus strand), CTDP1 (CTD phosphatase 1; plus strand) and 5 more. Cytogenetic location: 18q23.
Variant type: Deletion.
Identifiers: ClinVar variation 242601 (VCV000242601.2).